The following is an entry in ClinVar:

NM_001352514.2(HLCS):c.*2624G>A

Gene: HLCS (holocarboxylase synthetase; minus strand). Cytogenetic location: 21q22.13.
Variant type: single nucleotide variant.
Coding change: c.*2624G>A on transcript NM_001352514.2 (MANE Select); 2624 bases downstream of the stop codon, G replaced by A.
Molecular consequence: 3 prime UTR variant. On other transcripts: non-coding transcript variant (2).
Genome position (GRCh38, 1-based): chr21:36,751,622, C>T on the plus strand (G>A on the coding strand, the complement: HLCS is on the minus strand). VCF-style: chr21-36751622-C-T. GRCh37 (hg19) VCF-style: chr21-38123923-C-T.
Other names: c.*2624G>A (NM_000411.8, NM_001242784.3, NM_001242785.2 and 4 more transcripts).
Identifiers: ClinVar variation 339919 (VCV000339919.6), dbSNP rs73210780, ClinGen allele CA10644669.
Genomic context (GRCh38, chr21:36,751,622, plus strand): 5'-CCCCAGTCGGCCACTTGCTCTCACATCAGGCAACGTCAGCCTGCTGCAGTGAAACTCAAC[C>T]ACGATTTTCCTTTGCACACAAATCCTTCCTACTTCCACCACTCCCTAGCAGAGTTCCCAG-3'

ClinVar aggregate classification (germline): Likely benign. Review status: criteria provided, multiple submitters, no conflicts (2 of 4 stars). 2 submissions from 2 submitters: Likely benign (2). Last evaluated 2018-01-12.

Conditions:
Holocarboxylase synthetase deficiency. Also called: MULTIPLE CARBOXYLASE DEFICIENCY, EARLY ONSET. Identifiers: Orphanet 79242, MedGen C0268581, MONDO:0009666, OMIM 253270.

Allele frequency attached by ClinVar (database versions not stated): 1000 Genomes Project 0.00319; 1000 Genomes Project 30x 0.00375; TOPMed 0.00717; gnomAD 0.00744 and 0.00769; gnomAD exomes 0.01429.
gnomAD v4.1: 1,124 of 152,512 alleles (0.74%); highest among the groups gnomAD compares: Non-Finnish European, 1.3%; 3 homozygotes.

Submissions (2):

Illumina Laboratory Services, Illumina
Classification: Likely benign for Holocarboxylase synthetase deficiency. Last evaluated: 2018-01-12. Review status: criteria provided, single submitter. Criteria: ICSL Variant Classification Criteria 13 December 2019. Collection method: clinical testing. Allele origin: germline.
Comment: This variant was observed in the ICSL laboratory as part of a predisposition screen in an ostensibly healthy population. It had not been previously curated by ICSL or reported in the Human Gene Mutation Database (HGMD: prior to June 1st, 2018), and was therefore a candidate for classification through an automated scoring system. Utilizing variant allele frequency, disease prevalence and penetrance estimates, and inheritance mode, an automated score was calculated to assess if this variant is too frequent to cause the disease. Based on the score and internal cut-off values, a variant classified as likely benign is not then subjected to further curation. The score for this variant resulted in a classification of likely benign for this disease.

Breakthrough Genomics
Classification: Likely benign. Review status: criteria provided, single submitter. Criteria: ACMG Guidelines, 2015. Collection method: not provided. Allele origin: germline. Inheritance: Autosomal recessive inheritance. Affected: yes.